The following is an entry in ClinVar:

NM_001161352.2(KCNMA1):c.104G>A (p.Ser35Asn)

Gene: KCNMA1 (potassium calcium-activated channel subfamily M alpha 1; minus strand). Cytogenetic location: 10q22.3.
Variant type: single nucleotide variant.
Coding change: c.104G>A on transcript NM_001161352.2 (MANE Select); coding-DNA position 104, G replaced by A.
Protein change: p.Ser35Asn; replaces serine 35 with asparagine.
Molecular consequence: missense variant.
Genome position (GRCh38, 1-based): chr10:77,637,539, C>T on the plus strand (G>A on the coding strand, the complement: KCNMA1 is on the minus strand). VCF-style: chr10-77637539-C-T. GRCh37 (hg19) VCF-style: chr10-79397297-C-T.
Other names: c.104G>A, p.Ser35Asn (NM_001322829.2, NM_001322830.2, NM_001322832.2 and 13 more transcripts); short protein forms S35N.
Identifiers: ClinVar variation 2130122 (VCV002130122.8), dbSNP rs988230623, ClinGen allele CA377412755.

ClinVar aggregate classification (germline): Uncertain significance. Review status: criteria provided, multiple submitters, no conflicts (2 of 4 stars). 2 submissions from 2 submitters: Uncertain significance (2). Last evaluated 2026-03-01.

Conditions:
Generalized epilepsy-paroxysmal dyskinesia syndrome (PNKD3). Also called: Generalized epilepsy and paroxysmal dyskinesia; Paroxysmal nonkinesigenic dyskinesia, 3, with or without generalized epilepsy. Identifiers: Orphanet 79137, MedGen C5574945, MONDO:0012276, OMIM 609446.

Allele frequency attached by ClinVar (database versions not stated): gnomAD exomes below 0.00001.
gnomAD v4.1: 1 of 1,550,772 alleles (0.000064%); highest among the groups gnomAD compares: East Asian, 0.0024%; no homozygotes.

Submissions (2):

CeGaT Center for Human Genetics Tuebingen
Classification: Uncertain significance. Last evaluated: 2026-03-01. Review status: criteria provided, single submitter. Criteria: CeGaT Center For Human Genetics Tuebingen Variant Classification Criteria Version 2. Collection method: clinical testing. Allele origin: germline. Affected: yes. Observed: 1 variant allele.
Comment: KCNMA1: PM2

Labcorp Genetics (formerly Invitae), Labcorp
Classification: Uncertain significance for Generalized epilepsy-paroxysmal dyskinesia syndrome. Last evaluated: 2025-11-01. Review status: criteria provided, single submitter. Criteria: Invitae Variant Classification Sherloc (09022015). Collection method: clinical testing. Allele origin: germline.
Comment: This sequence change replaces serine, which is neutral and polar, with asparagine, which is neutral and polar, at codon 35 of the KCNMA1 protein (p.Ser35Asn). The frequency data for this variant in the population databases is considered unreliable, as metrics indicate poor data quality at this position in the gnomAD database. This variant has not been reported in the literature in individuals affected with KCNMA1-related conditions. ClinVar contains an entry for this variant (Variation ID: 2130122). An algorithm developed to predict the effect of missense changes on protein structure and function (PolyPhen-2) suggests that this variant is likely to be tolerated. In summary, the available evidence is currently insufficient to determine the role of this variant in disease. Therefore, it has been classified as a Variant of Uncertain Significance.